The following is an entry in ClinVar:

ClinVar aggregate classification (germline): Pathogenic (1 of 4 stars; one submission).

Conditions:
Abetalipoproteinaemia (ABL). Also called: MTP DEFICIENCY; Abetalipoproteinemia; Abetalipoproteinemia neuropathy; Apolipoprotein B deficiency; Congenital betalipoprotein deficiency syndrome. Identifiers: Orphanet 14, MedGen C0000744, MONDO:0008692, OMIM 200100, HP:0008181.

Submission:

Myriad Genetics, Inc.
Classification: Pathogenic for Abetalipoproteinaemia. Last evaluated: 2024-05-14. Review status: criteria provided, single submitter. Criteria: Myriad Autosomal Dominant, Autosomal Recessive and X-Linked Classification Criteria (2023). Collection method: clinical testing. Allele origin: unknown.
Comment: NM_000253.2(MTTP):c.593_594ins13(R198Sfs*3) is expected to be pathogenic in the context of abetalipoproteinemia. This variant is predicted to lead to an abnormal or absent protein product due to the creation of a premature termination codon in MTTP, a gene where loss-of-function variants are known to be pathogenic. Please note: this variant was assessed in the context of healthy population screening.

NM_001386140.1(MTTP):c.593_594insTGTATAAGAGACA (p.Arg198delinsSerValTer)

Gene: MTTP (microsomal triglyceride transfer protein; plus strand). Cytogenetic location: 4q23.
Variant type: Insertion.
Coding change: c.593_594insTGTATAAGAGACA on transcript NM_001386140.1 (MANE Select); coding-DNA positions 593 to 594, TGTATAAGAGACA inserted.
Protein change: p.Arg198delinsSerValTer.
Molecular consequence: nonsense.
Genome position: GRCh38 VCF-style: chr4-99591326-G-GTGTATAAGAGACA. GRCh37 (hg19) VCF-style: chr4-100512483-G-GTGTATAAGAGACA.
Other names: c.593_594insTGTATAAGAGACA, p.Arg198delinsSerValTer (NM_000253.4); c.344_345insTGTATAAGAGACA, p.Arg115delinsSerValTer (NM_001300785.2).
Identifiers: ClinVar variation 5011059 (VCV005011059.1).